The following is an entry in ClinVar:

ClinVar aggregate classification (germline): Uncertain significance (1 of 4 stars; one submission).

Allele frequency attached by ClinVar (database versions not stated): gnomAD exomes below 0.00001.
gnomAD v4.1: 1 of 1,614,162 alleles (0.000062%); highest among the groups gnomAD compares: Non-Finnish European, 0.000085%; no homozygotes.

Submission:

Ambry Genetics
Classification: Uncertain significance. Last evaluated: 2023-08-07. Review status: criteria provided, single submitter. Criteria: Ambry Variant Classification Scheme 2023. Collection method: clinical testing. Allele origin: germline.
Comment: The p.L51F variant (also known as c.151C>T), located in coding exon 1 of the BUB3 gene, results from a C to T substitution at nucleotide position 151. The leucine at codon 51 is replaced by phenylalanine, an amino acid with highly similar properties. This amino acid position is conserved. In addition, this alteration is predicted to be tolerated by in silico analysis. Since supporting evidence is limited at this time, the clinical significance of this alteration remains unclear.

NM_004725.4(BUB3):c.151C>T (p.Leu51Phe)

Gene: BUB3 (BUB3 mitotic checkpoint protein; plus strand). Cytogenetic location: 10q26.13.
Variant type: single nucleotide variant.
Coding change: c.151C>T on transcript NM_004725.4 (MANE Select); coding-DNA position 151, C replaced by T.
Protein change: p.Leu51Phe; replaces leucine 51 with phenylalanine.
Molecular consequence: missense variant.
Genome position (GRCh38, 1-based): chr10:123,155,068, C>T. VCF-style: chr10-123155068-C-T. GRCh37 (hg19) VCF-style: chr10-124914584-C-T.
Other names: c.151C>T, p.Leu51Phe (NM_001007793.3); short protein forms L51F.
Identifiers: ClinVar variation 2621410 (VCV002621410.2), dbSNP rs1206237714, ClinGen allele CA378625043.
Genomic context (GRCh38, chr10:123,155,068, plus strand): 5'-CTTGTCTCCTCCTGGGACACGTCCGTGCGTCTCTACGATGTGCCGGCCAACTCCATGCGG[C>T]TCAAGTACCAGCACACCGGCGCCGTCCTGGACTGCGCCTTCTACGTAGGTGCCCTCCCGC-3'
Protein context (NP_004716.1, residues 41-61): LYDVPANSMR[Leu51Phe]KYQHTGAVLD